The following is an entry in ClinVar:

NM_003245.4(TGM3):c.1452C>T (p.Ile484=)

Gene: TGM3 (transglutaminase 3; plus strand). Cytogenetic location: 20p13.
Variant type: single nucleotide variant.
Coding change: c.1452C>T on transcript NM_003245.4 (MANE Select); coding-DNA position 1452, C replaced by T.
Protein change: p.Ile484=; no amino-acid change (isoleucine 484 retained).
Molecular consequence: synonymous variant.
Genome position (GRCh38, 1-based): chr20:2,332,120, C>T. VCF-style: chr20-2332120-C-T. GRCh37 (hg19) VCF-style: chr20-2312766-C-T.
Identifiers: ClinVar variation 709513 (VCV000709513.4), dbSNP rs149539401, ClinGen allele CA9731192.

ClinVar aggregate classification (germline): Benign/Likely benign. Review status: criteria provided, multiple submitters, no conflicts (2 of 4 stars). 2 submissions from 2 submitters: Benign (1); Likely benign (1). Last evaluated 2024-10-18.

Conditions:
TGM3-related disorder. Also called: TGM3-related condition.

Allele frequency attached by ClinVar (database versions not stated): gnomAD 0.00155 and 0.00173; TOPMed 0.00157; 1000 Genomes Project 30x 0.00250; 1000 Genomes Project 0.00260; gnomAD exomes 0.00051; ExAC 0.00053; ESP Exome Variant Server 0.00131.
gnomAD v4.1: 821 of 1,614,194 alleles (0.051%); highest among the groups gnomAD compares: African/African-American, 0.49%; 2 homozygotes.

Submissions (2):

PreventionGenetics, part of Exact Sciences
Classification: Likely benign for TGM3-related condition. Last evaluated: 2024-10-18. Review status: criteria provided, single submitter. Criteria: ACMG Guidelines, 2015. Collection method: clinical testing. Allele origin: germline.
Comment: This variant is classified as likely benign based on ACMG/AMP sequence variant interpretation guidelines (Richards et al. 2015 PMID: 25741868, with internal and published modifications).

Labcorp Genetics (formerly Invitae), Labcorp
Classification: Benign. Last evaluated: 2018-05-21. Review status: criteria provided, single submitter. Criteria: Invitae Variant Classification Sherloc (09022015). Collection method: clinical testing. Allele origin: germline.